The following is an entry in ClinVar:

NM_001903.5(CTNNA1):c.454G>T (p.Val152Phe)

Gene: CTNNA1 (catenin alpha 1; plus strand). Cytogenetic location: 5q31.2.
Variant type: single nucleotide variant.
Coding change: c.454G>T on transcript NM_001903.5 (MANE Select); coding-DNA position 454, G replaced by T.
Protein change: p.Val152Phe; replaces valine 152 with phenylalanine.
Molecular consequence: missense variant.
Genome position (GRCh38, 1-based): chr5:138,810,190, G>T. VCF-style: chr5-138810190-G-T. GRCh37 (hg19) VCF-style: chr5-138145879-G-T.
Other names: c.454G>T, p.Val152Phe (NM_001290307.3, NM_001323982.2, NM_001323983.1 and 3 more transcripts); c.145G>T, p.Val49Phe (NM_001290309.3); c.85G>T, p.Val29Phe (NM_001290310.3); short protein forms V49F, V29F, V152F.
Identifiers: ClinVar variation 1510487 (VCV001510487.8), dbSNP rs2149727564, ClinGen allele CA361123697.
Genomic context (GRCh38, chr5:138,810,190, plus strand): 5'-CTCTCTGCTGTTACCCGGTTGCTGATTTTGGCTGACATGGCAGATGTCTACAAATTACTT[G>T]TTCAGCTGAAAGTTGTAAGTATACAGGCCTATGTCTGTAATTTGTTCTATCACAGGAAGA-3'
Protein context (NP_001894.2, residues 142-162): ADMADVYKLL[Val152Phe]QLKVVEDGIL

ClinVar aggregate classification (germline): Uncertain significance (1 of 4 stars; one submission).

Submission:

Labcorp Genetics (formerly Invitae), Labcorp
Classification: Uncertain significance. Last evaluated: 2021-02-15. Review status: criteria provided, single submitter. Criteria: Invitae Variant Classification Sherloc (09022015). Collection method: clinical testing. Allele origin: germline.
Comment: In summary, the available evidence is currently insufficient to determine the role of this variant in disease. Therefore, it has been classified as a Variant of Uncertain Significance. This sequence change replaces valine with phenylalanine at codon 152 of the CTNNA1 protein (p.Val152Phe). The valine residue is highly conserved and there is a small physicochemical difference between valine and phenylalanine. This variant is not present in population databases (ExAC no frequency). This variant has not been reported in the literature in individuals with CTNNA1-related conditions. Algorithms developed to predict the effect of missense changes on protein structure and function are either unavailable or do not agree on the potential impact of this missense change (SIFT: "Deleterious"; PolyPhen-2: "Benign"; Align-GVGD: "Class C0").